The following is an entry in ClinVar:

NM_032383.5(HPS3):c.356A>G (p.Lys119Arg)

Gene: HPS3 (HPS3 biogenesis of lysosomal organelles complex 2 subunit 1; plus strand). Cytogenetic location: 3q24.
Variant type: single nucleotide variant.
Coding change: c.356A>G on transcript NM_032383.5 (MANE Select); coding-DNA position 356, A replaced by G.
Protein change: p.Lys119Arg; replaces lysine 119 with arginine.
Molecular consequence: missense variant. On other transcripts: intron variant (1).
Genome position (GRCh38, 1-based): chr3:149,140,142, A>G. VCF-style: chr3-149140142-A-G. GRCh37 (hg19) VCF-style: chr3-148857929-A-G.
Other names: c.218-875A>G (NM_001308258.2); c.356A>G (NM_032383.3); short protein forms K119R.
Identifiers: ClinVar variation 1440795 (VCV001440795.6), dbSNP rs1722346440, ClinGen allele CA354911021.

ClinVar aggregate classification (germline): Uncertain significance. Review status: criteria provided, multiple submitters, no conflicts (2 of 4 stars). 2 submissions from 2 submitters: Uncertain significance (2). Last evaluated 2025-05-28.

Conditions:
Inborn genetic diseases. Identifiers: MedGen C0950123, MeSH D030342.

Allele frequency attached by ClinVar (database versions not stated): gnomAD exomes below 0.00001; TOPMed below 0.00001.

Submissions (2):

Ambry Genetics
Classification: Uncertain significance for Inborn genetic diseases. Last evaluated: 2025-05-28. Review status: criteria provided, single submitter. Criteria: Ambry Variant Classification Scheme 2023. Collection method: clinical testing. Allele origin: germline.

Labcorp Genetics (formerly Invitae), Labcorp
Classification: Uncertain significance. Last evaluated: 2022-07-11. Review status: criteria provided, single submitter. Criteria: Invitae Variant Classification Sherloc (09022015). Collection method: clinical testing. Allele origin: germline.
Comment: This sequence change replaces lysine, which is basic and polar, with arginine, which is basic and polar, at codon 119 of the HPS3 protein (p.Lys119Arg). This variant is not present in population databases (gnomAD no frequency). This variant has not been reported in the literature in individuals affected with HPS3-related conditions. ClinVar contains an entry for this variant (Variation ID: 1440795). Algorithms developed to predict the effect of missense changes on protein structure and function (SIFT, PolyPhen-2, Align-GVGD) all suggest that this variant is likely to be tolerated. In summary, the available evidence is currently insufficient to determine the role of this variant in disease. Therefore, it has been classified as a Variant of Uncertain Significance.